The following is an entry in ClinVar:

NM_015443.4(KANSL1):c.1364A>G (p.His455Arg)

Gene: KANSL1 (KAT8 regulatory NSL complex subunit 1). Cytogenetic location: 17q21.31.
Variant type: single nucleotide variant.
Coding change: c.1364A>G on transcript NM_015443.4 (MANE Select); coding-DNA position 1364, A replaced by G.
Protein change: p.His455Arg; replaces histidine 455 with arginine.
Molecular consequence: missense variant.
Genome position (GRCh38, 1-based): chr17:46,094,627, T>C on the plus strand (A>G on the coding strand, the complement: KANSL1 is on the minus strand). VCF-style: chr17-46094627-T-C. GRCh37 (hg19) VCF-style: chr17-44171993-T-C.
Other names: c.1364A>G, p.His455Arg (NM_001193465.2, NM_001193466.2, NM_001379198.1); short protein forms H455R.
Identifiers: ClinVar variation 381967 (VCV000381967.2), dbSNP rs1057521224, ClinGen allele CA16607309.

ClinVar aggregate classification (germline): Conflicting classifications of pathogenicity. Review status: criteria provided, conflicting classifications (1 of 4 stars). 2 submissions from 2 submitters: Uncertain significance (1); Likely benign (1). Last evaluated 2021-07-14.

Conditions:
Koolen-de Vries syndrome (KDVS). Identifiers: Orphanet 96169, MedGen C1864871, MONDO:0012496, OMIM 610443.

Allele frequency attached by ClinVar (database versions not stated): gnomAD exomes below 0.00001; TOPMed below 0.00001.
gnomAD v4.1: 2 of 1,614,196 alleles (0.00012%); highest among the groups gnomAD compares: African/African-American, 0.0013%; no homozygotes.

Submissions (2):

Labcorp Genetics (formerly Invitae), Labcorp
Classification: Uncertain significance for Koolen-de Vries syndrome. Last evaluated: 2021-07-14. Review status: criteria provided, single submitter. Criteria: Invitae Variant Classification Sherloc (09022015). Collection method: clinical testing. Allele origin: germline.
Comment: Due to the possible presence of a polymorphic segmental duplication, the location of the variant could not be unambiguously resolved. Variants with ambiguous mapping are still reported relative to the KANSL1 transcript. This sequence change replaces histidine with arginine at codon 455 of the KANSL1 protein (p.His455Arg). The histidine residue is highly conserved and there is a small physicochemical difference between histidine and arginine. The frequency data for this variant in the population databases (ExAC) is considered unreliable due to the presence of homologous sequence, such as pseudogenes or paralogs, in the genome. This variant has not been reported in the literature in individuals with KANSL1-related conditions. ClinVar contains an entry for this variant (Variation ID: 381967). Algorithms developed to predict the effect of missense changes on protein structure and function are either unavailable or do not agree on the potential impact of this missense change (SIFT: "Tolerated"; PolyPhen-2: "Probably Damaging"; Align-GVGD: "Class C0"). Until the location of this sequence change can be resolved, the clinical significance of this variant remains uncertain. It has been classified as a Variant of Uncertain Significance.

GeneDx
Classification: Likely benign. Last evaluated: 2015-12-01. Review status: criteria provided, single submitter. Criteria: GeneDx Variant Classification (06012015). Collection method: clinical testing. Allele origin: germline. Affected: yes.
Comment: This variant is considered likely benign or benign based on one or more of the following criteria: it is a conservative change, it occurs at a poorly conserved position in the protein, it is predicted to be benign by multiple in silico algorithms, and/or has population frequency not consistent with disease.